The following is an entry in ClinVar:

ClinVar aggregate classification (germline): Uncertain significance. Review status: criteria provided, multiple submitters, no conflicts (2 of 4 stars). 2 submissions from 2 submitters: Uncertain significance (2). Last evaluated 2021-04-02.

Conditions:
Hereditary cancer-predisposing syndrome. Also called: Neoplastic Syndromes, Hereditary; Hereditary Cancer Syndrome; Hereditary neoplastic syndrome; Tumor predisposition. Identifiers: Orphanet 140162, MedGen C0027672, MeSH D009386, MONDO:0015356.

Submissions (2):

Labcorp Genetics (formerly Invitae), Labcorp
Classification: Uncertain significance. Last evaluated: 2021-04-02. Review status: criteria provided, single submitter. Criteria: Invitae Variant Classification Sherloc (09022015). Collection method: clinical testing. Allele origin: germline.
Comment: In summary, the available evidence is currently insufficient to determine the role of this variant in disease. Therefore, it has been classified as a Variant of Uncertain Significance. Algorithms developed to predict the effect of missense changes on protein structure and function output the following: SIFT: "Not Available"; PolyPhen-2: "Benign"; Align-GVGD: "Not Available". The leucine amino acid residue is found in multiple mammalian species, suggesting that this missense change does not adversely affect protein function. These predictions have not been confirmed by published functional studies and their clinical significance is uncertain. This variant has not been reported in the literature in individuals with NTHL1-related conditions. This variant is not present in population databases (ExAC no frequency). This sequence change replaces proline with leucine at codon 81 of the NTHL1 protein (p.Pro81Leu). The proline residue is weakly conserved and there is a moderate physicochemical difference between proline and leucine.

Ambry Genetics
Classification: Uncertain significance for Hereditary cancer-predisposing syndrome. Last evaluated: 2020-09-08. Review status: criteria provided, single submitter. Criteria: Ambry Variant Classification Scheme 2023. Collection method: clinical testing. Allele origin: germline.
Comment: The p.P81L variant (also known as c.242C>T), located in coding exon 2 of the NTHL1 gene, results from a C to T substitution at nucleotide position 242. The proline at codon 81 is replaced by leucine, an amino acid with similar properties. This amino acid position is not well conserved in available vertebrate species. In addition, this alteration is predicted to be tolerated by in silico analysis. Since supporting evidence is limited at this time, the clinical significance of this alteration remains unclear.

NM_002528.7(NTHL1):c.218C>T (p.Pro73Leu)

Gene: NTHL1 (nth like DNA glycosylase 1; minus strand). Cytogenetic location: 16p13.3.
Variant type: single nucleotide variant.
Coding change: c.218C>T on transcript NM_002528.7 (MANE Select); coding-DNA position 218, C replaced by T.
Protein change: p.Pro73Leu; replaces proline 73 with leucine.
Molecular consequence: missense variant. On other transcripts: intron variant (1).
Genome position (GRCh38, 1-based): chr16:2,046,264, G>A on the plus strand (C>T on the coding strand, the complement: NTHL1 is on the minus strand). VCF-style: chr16-2046264-G-A. GRCh37 (hg19) VCF-style: chr16-2096265-G-A.
Other names: c.218C>T, p.Pro73Leu (NM_001318193.2); c.24+16C>T (NM_001318194.2); short protein forms P73L.
Identifiers: ClinVar variation 1440485 (VCV001440485.8), dbSNP rs1326931608, ClinGen allele CA394297452.
Genomic context (GRCh38, chr16:2,046,264, plus strand): 5'-GCACGGATGTTGACCAGCTGTTGCTGCCAGTCCTGGGGCTCCCAGACTGGCACCTTGAGG[G>A]GCTCAGCCCCCTCACCTTTCTCACTGTCCGAGCCCTCATAGGCCACACGCAGTCTCTGTG-3'
Protein context (NP_002519.2, residues 63-83): SDSEKGEGAE[Pro73Leu]LKVPVWEPQD